The following is an entry in ClinVar:

NM_002336.3(LRP6):c.3373C>T (p.Arg1125Ter)

Gene: LRP6 (LDL receptor related protein 6; minus strand). Cytogenetic location: 12p13.2.
Variant type: single nucleotide variant.
Coding change: c.3373C>T on transcript NM_002336.3 (MANE Select); coding-DNA position 3373, C replaced by T.
Protein change: p.Arg1125Ter; replaces arginine 1125 with a stop codon.
Molecular consequence: nonsense. On other transcripts: non-coding transcript variant (1).
Genome position (GRCh38, 1-based): chr12:12,147,390, G>A on the plus strand (C>T on the coding strand, the complement: LRP6 is on the minus strand). VCF-style: chr12-12147390-G-A. GRCh37 (hg19) VCF-style: chr12-12300324-G-A.
Other names: c.3373C>T, p.Arg1125Ter (NM_001414244.1, NM_001414245.1, NM_001414246.1 and 4 more transcripts); c.3175C>T, p.Arg1059Ter (NM_001414247.1); c.2920C>T, p.Arg974Ter (NM_001414252.1, NM_001414253.1, NM_001414254.1); c.2866C>T, p.Arg956Ter (NM_001414255.1); short protein forms R1059*, R1125*, R974*, R956*.
Identifiers: ClinVar variation 4737627 (VCV004737627.1).
Genomic context (GRCh38, chr12:12,147,390, plus strand): 5'-CTCAAATTAAAATAAGGAAACATATTTCTTGGGTACCTGAGAGATCACTGCTTTCAATTC[G>A]CCGGAGATCTGAATCAGCCCAAAAGAGCTTGCCCAGCCTGCTATCAAGGGCTAAAGCAAT-3'

ClinVar aggregate classification (germline): Pathogenic (1 of 4 stars; one submission).

Submission:

Labcorp Genetics (formerly Invitae), Labcorp
Classification: Pathogenic. Last evaluated: 2025-04-17. Review status: criteria provided, single submitter. Criteria: Invitae Variant Classification Sherloc (09022015). Collection method: clinical testing. Allele origin: germline.
Comment: This sequence change creates a premature translational stop signal (p.Arg1125*) in the LRP6 gene. It is expected to result in an absent or disrupted protein product. Loss-of-function variants in LRP6 are known to be pathogenic (PMID: 26387593). This variant is not present in population databases (gnomAD no frequency). This variant has not been reported in the literature in individuals affected with LRP6-related conditions. For these reasons, this variant has been classified as Pathogenic.

Literature cited by the submitters: PubMed 26387593.